The following is an entry in ClinVar:

NM_004006.3(DMD):c.4021A>G (p.Asn1341Asp)

Gene: DMD (dystrophin; minus strand). Cytogenetic location: Xp21.1.
Variant type: single nucleotide variant.
Coding change: c.4021A>G on transcript NM_004006.3 (MANE Select); coding-DNA position 4021, A replaced by G.
Protein change: p.Asn1341Asp; replaces asparagine 1341 with aspartic acid.
Molecular consequence: missense variant.
Genome position (GRCh38, 1-based): chrX:32,438,291, T>C on the plus strand (A>G on the coding strand, the complement: DMD is on the minus strand). VCF-style: chrX-32438291-T-C. GRCh37 (hg19) VCF-style: chrX-32456408-T-C.
Other names: c.3997A>G, p.Asn1333Asp (NM_000109.4); c.4009A>G, p.Asn1337Asp (NM_004009.3); c.3652A>G, p.Asn1218Asp (NM_004010.3); short protein forms N1218D, N1333D, N1337D, N1341D.
Identifiers: ClinVar variation 3223654 (VCV003223654.2), dbSNP rs2098269114, ClinGen allele CA412669311.

ClinVar aggregate classification (germline): Conflicting classifications of pathogenicity. Review status: criteria provided, conflicting classifications (1 of 4 stars). 2 submissions from 2 submitters: Uncertain significance (1); Likely benign (1). Last evaluated 2025-01-08.

Conditions:
Cardiovascular phenotype. Identifiers: MedGen CN230736.
Duchenne muscular dystrophy (DMD). Also called: MUSCULAR DYSTROPHY, PSEUDOHYPERTROPHIC PROGRESSIVE, DUCHENNE TYPE; Duchenne Muscular Dystrophy (DMD). Identifiers: Orphanet 98896, MedGen C0013264, MONDO:0010679, OMIM 310200.

Allele frequency attached by ClinVar (database versions not stated): TOPMed below 0.00001.

Submissions (2):

Labcorp Genetics (formerly Invitae), Labcorp
Classification: Uncertain significance for Duchenne muscular dystrophy. Last evaluated: 2025-01-08. Review status: criteria provided, single submitter. Criteria: Invitae Variant Classification Sherloc (09022015). Collection method: clinical testing. Allele origin: germline.
Comment: This sequence change replaces asparagine, which is neutral and polar, with aspartic acid, which is acidic and polar, at codon 1341 of the DMD protein (p.Asn1341Asp). This variant is not present in population databases (gnomAD no frequency). This variant has not been reported in the literature in individuals affected with DMD-related conditions. ClinVar contains an entry for this variant (Variation ID: 3223654). Invitae Evidence Modeling of protein sequence and biophysical properties (such as structural, functional, and spatial information, amino acid conservation, physicochemical variation, residue mobility, and thermodynamic stability) indicates that this missense variant is not expected to disrupt DMD protein function with a negative predictive value of 95%. In summary, the available evidence is currently insufficient to determine the role of this variant in disease. Therefore, it has been classified as a Variant of Uncertain Significance.

Ambry Genetics
Classification: Likely benign for Cardiovascular phenotype. Last evaluated: 2023-11-28. Review status: criteria provided, single submitter. Criteria: Ambry Variant Classification Scheme 2023. Collection method: clinical testing. Allele origin: germline.